The following is an entry in ClinVar:

NM_017777.4(MKS1):c.1007T>C (p.Val336Ala)

Gene: MKS1 (MKS transition zone complex subunit 1; minus strand). Cytogenetic location: 17q22.
Variant type: single nucleotide variant.
Coding change: c.1007T>C on transcript NM_017777.4 (MANE Select); coding-DNA position 1007, T replaced by C.
Protein change: p.Val336Ala; replaces valine 336 with alanine.
Molecular consequence: missense variant.
Genome position (GRCh38, 1-based): chr17:58,210,676, A>G on the plus strand (T>C on the coding strand, the complement: MKS1 is on the minus strand). VCF-style: chr17-58210676-A-G. GRCh37 (hg19) VCF-style: chr17-56288037-A-G.
Other names: c.398T>C, p.Val133Ala (NM_001321268.2); c.1007T>C, p.Val336Ala (NM_001321269.2, NM_001330397.2); short protein forms V336A, V133A.
Identifiers: ClinVar variation 969878 (VCV000969878.5), dbSNP rs772205041, ClinGen allele CA292011685.

ClinVar aggregate classification (germline): Uncertain significance. Review status: criteria provided, multiple submitters, no conflicts (2 of 4 stars). 3 submissions from 3 submitters: Uncertain significance (2). 1 of the submissions does not count toward it. Last evaluated 2024-05-23.

Conditions:
Meckel-Gruber syndrome. Also called: Dysencephalia splachnocystica; DYSENCEPHALIA SPLANCHNOCYSTICA; GRUBER SYNDROME. Identifiers: Orphanet 564, MedGen C0265215, MONDO:0018921.
Joubert syndrome. Also called: Familial aplasia of the vermis; CEREBELLOPARENCHYMAL DISORDER IV; JOUBERT-BOLTSHAUSER SYNDROME. Identifiers: Orphanet 475, MedGen C5979921, MONDO:0018772.
Bardet-Biedl syndrome 13 (BBS13). Identifiers: Orphanet 110, MedGen C2673873, MONDO:0014441, OMIM 615990.
Meckel syndrome, type 1 (MKS1). Also called: MECKEL-GRUBER SYNDROME, TYPE 1. Identifiers: Orphanet 564, MedGen C3714506, MONDO:0009571, OMIM 249000.
Joubert syndrome 28 (JBTS28). Identifiers: MedGen C4310705, MONDO:0014928, OMIM 617121.

Allele frequency attached by ClinVar (database versions not stated): gnomAD exomes 0.00001.
gnomAD v4.1: 8 of 1,613,978 alleles (0.0005%); highest among the groups gnomAD compares: Middle Eastern, 0.049%; no homozygotes.

Submissions (3):

Fulgent Genetics
Classification: Uncertain significance for Meckel syndrome, type 1; Bardet-Biedl syndrome 13; Joubert syndrome 28. Last evaluated: 2024-05-23. Review status: criteria provided, single submitter. Criteria: ACMG Guidelines, 2015. Collection method: clinical testing. Allele origin: germline.

Labcorp Genetics (formerly Invitae), Labcorp
Classification: Uncertain significance for Joubert syndrome; Meckel-Gruber syndrome. Last evaluated: 2022-07-25. Review status: criteria provided, single submitter. Criteria: Invitae Variant Classification Sherloc (09022015). Collection method: clinical testing. Allele origin: germline.
Comment: This sequence change replaces valine, which is neutral and non-polar, with alanine, which is neutral and non-polar, at codon 336 of the MKS1 protein (p.Val336Ala). This variant is present in population databases (no rsID available, gnomAD 0.0009%). This variant has not been reported in the literature in individuals affected with MKS1-related conditions. ClinVar contains an entry for this variant (Variation ID: 969878). Algorithms developed to predict the effect of missense changes on protein structure and function are either unavailable or do not agree on the potential impact of this missense change (SIFT: "Deleterious"; PolyPhen-2: "Benign"; Align-GVGD: "Class C25"). In summary, the available evidence is currently insufficient to determine the role of this variant in disease. Therefore, it has been classified as a Variant of Uncertain Significance.

Natera, Inc.
Classification: Uncertain significance for Meckel syndrome type 1. Last evaluated: 2021-10-11. Review status: no assertion criteria provided. Collection method: clinical testing. Allele origin: germline. Not counted in ClinVar's aggregate classification.